The following is an entry in ClinVar:

ClinVar aggregate classification (germline): Pathogenic (1 of 4 stars; one submission).

Conditions:
Developmental and epileptic encephalopathy 116. Identifiers: MedGen C5935615, MONDO:0970945, OMIM 620806.

Submission:

Variantyx, Inc.
Classification: Pathogenic for Developmental and epileptic encephalopathy 116. Last evaluated: 2025-08-21. Review status: criteria provided, single submitter. Criteria: Variantyx Assertion Criteria 2022. Collection method: clinical testing. Allele origin: germline. Inheritance: Autosomal recessive inheritance. Affected: yes.
Comment: This is a nonsense variant in the ASPM gene (OMIM: 605481). Pathogenic variants in this gene have been associated with autosomal recessive primary microcephaly 5. This variant introduces a premature termination codon in exon 17 out of 28 and is expected to result in loss of function, which is a known disease mechanism for ASPM in this disorder (PMID: 19028728, 23611254) (PVS1). Based on the current evidence, this variant is classified as pathogenic for autosomal recessive primary microcephaly 5.

Literature cited by the submitters: PubMed 19028728; PubMed 23611254.

NM_018136.5(ASPM):c.4063C>T (p.Gln1355Ter)

Gene: ASPM (assembly factor for spindle microtubules; minus strand). Cytogenetic location: 1q31.3.
Variant type: single nucleotide variant.
Coding change: c.4063C>T on transcript NM_018136.5 (MANE Select); coding-DNA position 4063, C replaced by T.
Protein change: p.Gln1355Ter; replaces glutamine 1355 with a stop codon.
Molecular consequence: nonsense.
Genome position (GRCh38, 1-based): chr1:197,117,791, G>A on the plus strand (C>T on the coding strand, the complement: ASPM is on the minus strand). VCF-style: chr1-197117791-G-A. GRCh37 (hg19) VCF-style: chr1-197086921-G-A.
Other names: c.4063C>T, p.Gln1355Ter (NM_001206846.2); short protein forms Q1355*.
Identifiers: ClinVar variation 4813829 (VCV004813829.1).
Genomic context (GRCh38, chr1:197,117,791, plus strand): 5'-TTACTTAAAAAAGTCATTAAAATTTTTTAAATTCAAAAATTAGTCCAGGATACTATACCT[G>A]AATAAGTGATGCTGCTTTATTTTGAACTTTTTCCAGCTTTTCCTTTTTTAACATTAATAA-3'